The following is an entry in ClinVar:

ClinVar aggregate classification (germline): Likely benign. Review status: criteria provided, multiple submitters, no conflicts (2 of 4 stars). 3 submissions from 3 submitters: Likely benign (2). 1 of the submissions does not count toward it. Last evaluated 2025-08-08.

Conditions:
Nephronophthisis 14 (NPHP14). Identifiers: Orphanet 2318, MedGen C3539071, MONDO:0013916, OMIM 614844.
ZNF423-related disorder. Also called: ZNF423-related condition.

Allele frequency attached by ClinVar (database versions not stated): gnomAD 0.00004 and 0.00005; ExAC 0.00005; ESP Exome Variant Server 0.00008; 1000 Genomes Project 30x 0.00016; 1000 Genomes Project 0.00020.
gnomAD v4.1: 114 of 1,613,732 alleles (0.0071%); highest among the groups gnomAD compares: Middle Eastern, 0.016%; no homozygotes.

Submissions (3):

Labcorp Genetics (formerly Invitae), Labcorp
Classification: Likely benign for Nephronophthisis 14. Last evaluated: 2025-08-08. Review status: criteria provided, single submitter. Criteria: Invitae Variant Classification Sherloc (09022015). Collection method: clinical testing. Allele origin: germline.

Blueprint Genetics
Classification: Likely benign. Last evaluated: 2024-07-10. Review status: criteria provided, single submitter. Criteria: ACMG Guidelines, 2015. Collection method: clinical testing. Allele origin: germline.

PreventionGenetics, part of Exact Sciences
Classification: Likely benign for ZNF423-related condition. Last evaluated: 2022-12-22. Review status: no assertion criteria provided. Collection method: clinical testing. Allele origin: germline. Not counted in ClinVar's aggregate classification.
Comment: This variant is classified as likely benign based on ACMG/AMP sequence variant interpretation guidelines (Richards et al. 2015 PMID: 25741868, with internal and published modifications).

NM_001379286.1(ZNF423):c.2670G>A (p.Ser890=)

Gene: ZNF423 (zinc finger protein 423; minus strand). Cytogenetic location: 16q12.1.
Variant type: single nucleotide variant.
Coding change: c.2670G>A on transcript NM_001379286.1 (MANE Select); coding-DNA position 2670, G replaced by A.
Protein change: p.Ser890=; no amino-acid change (serine 890 retained).
Molecular consequence: synonymous variant.
Genome position (GRCh38, 1-based): chr16:49,636,506, C>T on the plus strand (G>A on the coding strand, the complement: ZNF423 is on the minus strand). VCF-style: chr16-49636506-C-T. GRCh37 (hg19) VCF-style: chr16-49670417-C-T.
Other names: c.2466G>A, p.Ser822= (NM_001271620.2); c.2295G>A, p.Ser765= (NM_001330533.2); c.2646G>A, p.Ser882= (NM_015069.5); c.2646G>A (NM_015069.4).
Identifiers: ClinVar variation 1084449 (VCV001084449.12), dbSNP rs369348426, ClinGen allele CA8046453.